The following is an entry in ClinVar:

ClinVar aggregate classification (germline): Uncertain significance. Review status: criteria provided, multiple submitters, no conflicts (2 of 4 stars). 7 submissions from 7 submitters: Uncertain significance (7). Last evaluated 2025-12-23.

Conditions:
Cardiovascular phenotype. Identifiers: MedGen CN230736.
Arrhythmogenic right ventricular dysplasia 10. Also called: Arrhythmogenic right ventricular dysplasia/cardiomyopathy, type 10; Arrhythmogenic Right Ventricular Dysplasia/Cardiomyopathy10; ARRHYTHMOGENIC RIGHT VENTRICULAR DYSPLASIA, FAMILIAL, 10. Identifiers: MedGen C1857777, MONDO:0012434, OMIM 610193.
Dilated cardiomyopathy 1BB (CMD1BB). Also called: CARDIOMYOPATHY, DILATED, 1BB, SUSCEPTIBILITY TO. Identifiers: Orphanet 154, MedGen C2752072, MONDO:0013030, OMIM 612877.
Cardiomyopathy (CMYO). Also called: Cardiomyopathies. Identifiers: Orphanet 167848, MedGen C0878544, MONDO:0004994, HP:0001638. Inheritance: Various modes of inheritance.
Arrhythmogenic right ventricular cardiomyopathy (ARVD). Also called: Arrhythmogenic cardiomyopathy; Arrhythmogenic Right Ventricular Cardiomyopathy (ARVC); Cardiomyopathy, ARVC; Arrhythmogenic right ventricular dysplasia. Identifiers: Orphanet 247, MedGen C0349788, MeSH D019571, MONDO:0016587. Disease mechanism: loss of function. Inheritance: Various modes of inheritance.

Allele frequency attached by ClinVar (database versions not stated): ExAC 0.00001; gnomAD exomes 0.00001; gnomAD 0.00003; TOPMed 0.00005.
gnomAD v4.1: 10 of 1,614,064 alleles (0.00062%); highest among the groups gnomAD compares: African/African-American, 0.011%; no homozygotes.

Submissions (7):

GeneDx
Classification: Uncertain significance. Last evaluated: 2025-12-23. Review status: criteria provided, single submitter. Criteria: GeneDx Variant Classification Process June 2021. Collection method: clinical testing. Allele origin: germline. Affected: yes.
Comment: In silico analysis supports that this missense variant has a deleterious effect on protein structure/function; Not observed at significant frequency in large population cohorts (gnomAD); Has not been previously published as pathogenic or benign to our knowledge

Labcorp Genetics (formerly Invitae), Labcorp
Classification: Uncertain significance for Arrhythmogenic right ventricular dysplasia 10. Last evaluated: 2025-01-27. Review status: criteria provided, single submitter. Criteria: Invitae Variant Classification Sherloc (09022015). Collection method: clinical testing. Allele origin: germline.
Comment: This sequence change replaces aspartic acid, which is acidic and polar, with tyrosine, which is neutral and polar, at codon 519 of the DSG2 protein (p.Asp519Tyr). This variant is present in population databases (rs778119035, gnomAD 0.01%). This variant has not been reported in the literature in individuals affected with DSG2-related conditions. ClinVar contains an entry for this variant (Variation ID: 199809). Invitae Evidence Modeling of protein sequence and biophysical properties (such as structural, functional, and spatial information, amino acid conservation, physicochemical variation, residue mobility, and thermodynamic stability) has been performed for this missense variant. However, the output from this modeling did not meet the statistical confidence thresholds required to predict the impact of this variant on DSG2 protein function. In summary, the available evidence is currently insufficient to determine the role of this variant in disease. Therefore, it has been classified as a Variant of Uncertain Significance.

All of Us Research Program, National Institutes of Health
Classification: Uncertain significance for Arrhythmogenic right ventricular cardiomyopathy. Last evaluated: 2024-08-06. Review status: criteria provided, single submitter. Criteria: ACMG Guidelines, 2015. Collection method: clinical testing. Allele origin: germline. Inheritance: Autosomal dominant inheritance. Observed: 5 variant alleles, 5 heterozygotes.
Comment: This missense variant replaces aspartic acid with tyrosine at codon 519 of the DSG2 protein. Computational prediction suggests that this variant may have deleterious impact on protein structure and function (internally defined REVEL score threshold >= 0.7, PMID: 27666373). To our knowledge, functional studies have not been reported for this variant. This variant has not been reported in individuals affected with DSG2-related disorders in the literature. This variant has been identified in 3/280850 chromosomes in the general population by the Genome Aggregation Database (gnomAD). The available evidence is insufficient to determine the role of this variant in disease conclusively. Therefore, this variant is classified as a Variant of Uncertain Significance.

This study involves interpretation of variants in research participants for the purpose of population health screening. Participant phenotype was not available at the time of variant classification. Additional details can be found in publication PMID: 35346344, PMCID: PMC8962531

Ambry Genetics
Classification: Uncertain significance for Cardiovascular phenotype. Last evaluated: 2024-08-01. Review status: criteria provided, single submitter. Criteria: Ambry Variant Classification Scheme 2023. Collection method: clinical testing. Allele origin: germline.

Color Diagnostics, LLC DBA Color Health
Classification: Uncertain significance for Cardiomyopathy. Last evaluated: 2024-03-06. Review status: criteria provided, single submitter. Criteria: ACMG Guidelines, 2015. Collection method: clinical testing. Allele origin: germline.
Comment: This missense variant replaces aspartic acid with tyrosine at codon 519 of the DSG2 protein. Computational prediction suggests that this variant may have deleterious impact on protein structure and function. To our knowledge, functional studies have not been reported for this variant. This variant has not been reported in individuals affected with DSG2-related disorders in the literature. This variant has been identified in 3/280850 chromosomes in the general population by the Genome Aggregation Database (gnomAD). The available evidence is insufficient to determine the role of this variant in disease conclusively. Therefore, this variant is classified as a Variant of Uncertain Significance.

Fulgent Genetics
Classification: Uncertain significance for Arrhythmogenic right ventricular dysplasia 10; Dilated cardiomyopathy 1BB. Last evaluated: 2021-08-20. Review status: criteria provided, single submitter. Criteria: ACMG Guidelines, 2015. Collection method: clinical testing. Allele origin: unknown.

AiLife Diagnostics
Classification: Uncertain significance. Last evaluated: 2021-07-23. Review status: criteria provided, single submitter. Criteria: ACMG Guidelines, 2015. Collection method: clinical testing. Allele origin: germline. Affected: yes. Observed: 1 variant allele.

NM_001943.5(DSG2):c.1555G>T (p.Asp519Tyr)

Gene: DSG2 (desmoglein 2; plus strand). Cytogenetic location: 18q12.1.
Variant type: single nucleotide variant.
Coding change: c.1555G>T on transcript NM_001943.5 (MANE Select); coding-DNA position 1555, G replaced by T.
Protein change: p.Asp519Tyr; replaces aspartic acid 519 with tyrosine.
Molecular consequence: missense variant.
Genome position (GRCh38, 1-based): chr18:31,536,333, G>T. VCF-style: chr18-31536333-G-T. GRCh37 (hg19) VCF-style: chr18-29116296-G-T.
Other names: p.D519Y:GAC>TAC; c.1555G>T (LRG_397t1); short protein forms D519Y.
Identifiers: ClinVar variation 199809 (VCV000199809.24), dbSNP rs778119035, ClinGen allele CA021474.